The following is an entry in ClinVar:

NM_003803.4(MYOM1):c.4558G>A (p.Glu1520Lys)

Gene: MYOM1 (myomesin 1; minus strand). Cytogenetic location: 18p11.31.
Variant type: single nucleotide variant.
Coding change: c.4558G>A on transcript NM_003803.4 (MANE Select); coding-DNA position 4558, G replaced by A.
Protein change: p.Glu1520Lys; replaces glutamic acid 1520 with lysine.
Molecular consequence: missense variant.
Genome position (GRCh38, 1-based): chr18:3,079,269, C>T on the plus strand (G>A on the coding strand, the complement: MYOM1 is on the minus strand). VCF-style: chr18-3079269-C-T. GRCh37 (hg19) VCF-style: chr18-3079267-C-T.
Other names: c.4270G>A, p.Glu1424Lys (NM_019856.2); short protein forms E1424K, E1520K.
Identifiers: ClinVar variation 2154131 (VCV002154131.7), dbSNP rs755380862, ClinGen allele CA8873906.

ClinVar aggregate classification (germline): Uncertain significance. Review status: criteria provided, multiple submitters, no conflicts (2 of 4 stars). 2 submissions from 2 submitters: Uncertain significance (2). Last evaluated 2025-09-11.

Conditions:
Hypertrophic cardiomyopathy. Also called: HYPERTROPHIC MYOCARDIOPATHY. Identifiers: Orphanet 217569, MedGen C0007194, MeSH D002312, MONDO:0005045, HP:0001639.

Allele frequency attached by ClinVar (database versions not stated): ExAC 0.00001; gnomAD 0.00001; gnomAD exomes 0.00001; TOPMed 0.00001.
gnomAD v4.1: 21 of 1,613,862 alleles (0.0013%); highest among the groups gnomAD compares: Middle Eastern, 0.017%; no homozygotes.

Submissions (2):

Ambry Genetics
Classification: Uncertain significance. Last evaluated: 2025-09-11. Review status: criteria provided, single submitter. Criteria: Ambry Variant Classification Scheme 2023. Collection method: clinical testing. Allele origin: germline.

Labcorp Genetics (formerly Invitae), Labcorp
Classification: Uncertain significance for Hypertrophic cardiomyopathy. Last evaluated: 2024-01-25. Review status: criteria provided, single submitter. Criteria: Invitae Variant Classification Sherloc (09022015). Collection method: clinical testing. Allele origin: germline.
Comment: This sequence change replaces glutamic acid, which is acidic and polar, with lysine, which is basic and polar, at codon 1520 of the MYOM1 protein (p.Glu1520Lys). This variant is present in population databases (rs755380862, gnomAD 0.003%). This variant has not been reported in the literature in individuals affected with MYOM1-related conditions. ClinVar contains an entry for this variant (Variation ID: 2154131). Advanced modeling of protein sequence and biophysical properties (such as structural, functional, and spatial information, amino acid conservation, physicochemical variation, residue mobility, and thermodynamic stability) performed at Invitae indicates that this missense variant is not expected to disrupt MYOM1 protein function with a negative predictive value of 80%. In summary, the available evidence is currently insufficient to determine the role of this variant in disease. Therefore, it has been classified as a Variant of Uncertain Significance.